The following is an entry in ClinVar:

ClinVar aggregate classification (germline): Uncertain significance (1 of 4 stars; one submission).

Allele frequency attached by ClinVar (database versions not stated): gnomAD exomes below 0.00001; TOPMed below 0.00001.
gnomAD v4.1: 1 of 1,613,832 alleles (0.000062%); highest among the groups gnomAD compares: Non-Finnish European, 0.000085%; no homozygotes.

Submission:

Labcorp Genetics (formerly Invitae), Labcorp
Classification: Uncertain significance. Last evaluated: 2022-08-16. Review status: criteria provided, single submitter. Criteria: Invitae Variant Classification Sherloc (09022015). Collection method: clinical testing. Allele origin: germline.
Comment: This variant is not present in population databases (gnomAD no frequency). In summary, the available evidence is currently insufficient to determine the role of this variant in disease. Therefore, it has been classified as a Variant of Uncertain Significance. Algorithms developed to predict the effect of sequence changes on RNA splicing suggest that this variant may create or strengthen a splice site. This variant has not been reported in the literature in individuals affected with HMCN1-related conditions. This sequence change affects codon 3555 of the HMCN1 mRNA. It is a 'silent' change, meaning that it does not change the encoded amino acid sequence of the HMCN1 protein.

NM_031935.3(HMCN1):c.10665C>T (p.Ile3555=)

Gene: HMCN1 (hemicentin 1; plus strand). Cytogenetic location: 1q31.1.
Variant type: single nucleotide variant.
Coding change: c.10665C>T on transcript NM_031935.3 (MANE Select); coding-DNA position 10665, C replaced by T.
Protein change: p.Ile3555=; no amino-acid change (isoleucine 3555 retained).
Molecular consequence: synonymous variant.
Genome position (GRCh38, 1-based): chr1:186,103,563, C>T. VCF-style: chr1-186103563-C-T. GRCh37 (hg19) VCF-style: chr1-186072695-C-T.
Identifiers: ClinVar variation 1902508 (VCV001902508.5), dbSNP rs1660479885, ClinGen allele CA422333784.